The following is an entry in ClinVar:

ClinVar aggregate classification (germline): Benign/Likely benign. Review status: criteria provided, multiple submitters, no conflicts (2 of 4 stars). 8 submissions from 8 submitters: Benign (1); Likely benign (5). 2 of the submissions do not count toward it. Last evaluated 2026-01-26.

Conditions:
Familial hemophagocytic lymphohistiocytosis 2 (FHL2). Also called: PRF1-Related Familial Hemophagocytic Lymphohistiocytosis (PRF1-fHLH). Identifiers: Orphanet 540, MedGen C1863727, MONDO:0011337, OMIM 603553.

Allele frequency attached by ClinVar (database versions not stated): 1000 Genomes Project 30x 0.00016; 1000 Genomes Project 0.00020; ESP Exome Variant Server 0.00069; TOPMed 0.00081; gnomAD 0.00103 and 0.00113; ExAC 0.00106; gnomAD exomes 0.00106 and 0.00129.
gnomAD v4.1: 2,040 of 1,614,114 alleles (0.13%); highest among the groups gnomAD compares: Non-Finnish European, 0.15%; 2 homozygotes.

Submissions (8):

Labcorp Genetics (formerly Invitae), Labcorp
Classification: Benign for Familial hemophagocytic lymphohistiocytosis 2. Last evaluated: 2026-01-26. Review status: criteria provided, single submitter. Criteria: Invitae Variant Classification Sherloc (09022015). Collection method: clinical testing. Allele origin: germline.

CeGaT Center for Human Genetics Tuebingen
Classification: Likely benign. Last evaluated: 2025-07-01. Review status: criteria provided, single submitter. Criteria: CeGaT Center For Human Genetics Tuebingen Variant Classification Criteria Version 2. Collection method: clinical testing. Allele origin: germline. Affected: yes. Observed: 3 variant alleles.
Comment: PRF1: BP4, BP7

Blueprint Genetics
Classification: Likely benign. Last evaluated: 2024-11-15. Review status: criteria provided, single submitter. Criteria: ACMG Guidelines, 2015. Collection method: clinical testing. Allele origin: germline.

Mayo Clinic Laboratories, Mayo Clinic
Classification: Likely benign. Last evaluated: 2024-11-14. Review status: criteria provided, single submitter. Criteria: ACMG Guidelines, 2015. Collection method: clinical testing. Allele origin: germline. Observed: 5 variant alleles.
Comment: BS1, BP4, BP7

Genetic Services Laboratory, University of Chicago
Classification: Likely benign. Last evaluated: 2020-08-28. Review status: criteria provided, single submitter. Criteria: ACMG Guidelines, 2015. Collection method: clinical testing. Allele origin: germline. Affected: no.

PreventionGenetics, part of Exact Sciences
Classification: Likely benign. Review status: criteria provided, single submitter. Criteria: ACMG Guidelines, 2015. Collection method: clinical testing. Allele origin: germline.

Clinical Genetics DNA and cytogenetics Diagnostics Lab, Erasmus MC, Erasmus Medical Center
Classification: Likely benign. Review status: no assertion criteria provided. Collection method: clinical testing. Allele origin: germline. Affected: yes. Study: VKGL Data-share Consensus. Not counted in ClinVar's aggregate classification.

Genome Diagnostics Laboratory, University Medical Center Utrecht
Classification: Likely benign. Review status: no assertion criteria provided. Collection method: clinical testing. Allele origin: germline. Affected: yes. Study: VKGL Data-share Consensus. Not counted in ClinVar's aggregate classification.

NM_001083116.3(PRF1):c.528C>T (p.Cys176=)

Gene: PRF1 (perforin 1; minus strand). Cytogenetic location: 10q22.1.
Variant type: single nucleotide variant.
Coding change: c.528C>T on transcript NM_001083116.3 (MANE Select); coding-DNA position 528, C replaced by T.
Protein change: p.Cys176=; no amino-acid change (cysteine 176 retained).
Molecular consequence: synonymous variant.
Genome position (GRCh38, 1-based): chr10:70,600,375, G>A on the plus strand (C>T on the coding strand, the complement: PRF1 is on the minus strand). VCF-style: chr10-70600375-G-A. GRCh37 (hg19) VCF-style: chr10-72360131-G-A.
Other names: p.Cys176=; c.528C>T, p.Cys176= (NM_005041.6).
Identifiers: ClinVar variation 257403 (VCV000257403.51), dbSNP rs138588977, ClinGen allele CA5539015.
Genomic context (GRCh38, chr10:70,600,375, plus strand): 5'-GAGTTTCCCGCGCCTTTTCCAGCCCCCCACCCCTAGCCCCAGCTCTCACCTGTAGAAGCG[G>A]CACTCCACCGTGTCAGTGCTGAAGCTGTACTGGTCCTGGTGGGTCTTCTGGGCTGCAAAG-3'
Protein context (NP_001076585.1, residues 166-186): QYSFSTDTVE[Cys176=]RFYSFHVVHT